The following is an entry in ClinVar:

NM_020458.4(TTC7A):c.673C>T (p.His225Tyr)

Gene: TTC7A (tetratricopeptide repeat domain 7A; plus strand). Cytogenetic location: 2p21.
Variant type: single nucleotide variant.
Coding change: c.673C>T on transcript NM_020458.4 (MANE Select); coding-DNA position 673, C replaced by T.
Protein change: p.His225Tyr; replaces histidine 225 with tyrosine.
Molecular consequence: missense variant. On other transcripts: 5 prime UTR variant (1).
Genome position (GRCh38, 1-based): chr2:46,978,816, C>T. VCF-style: chr2-46978816-C-T. GRCh37 (hg19) VCF-style: chr2-47205955-C-T.
Other names: c.673C>T, p.His225Tyr (NM_001288951.2); c.571C>T, p.His191Tyr (NM_001288953.2); c.-232C>T (NM_001288955.2); short protein forms H191Y, H225Y.
Identifiers: ClinVar variation 1056821 (VCV001056821.8), dbSNP rs751644700, ClinGen allele CA1647312.

ClinVar aggregate classification (germline): Uncertain significance (1 of 4 stars; one submission).

Conditions:
Multiple gastrointestinal atresias. Also called: FAMILIAL INTESTINAL POLYATRESIA SYNDROME; Multiple intestinal atresia. Identifiers: Orphanet 2300, MedGen C0220744, MONDO:0009465.

Allele frequency attached by ClinVar (database versions not stated): gnomAD exomes below 0.00001; TOPMed below 0.00001; ExAC 0.00001.
gnomAD v4.1: 2 of 1,613,986 alleles (0.00012%); highest among the groups gnomAD compares: South Asian, 0.0022%; no homozygotes.

Submission:

Labcorp Genetics (formerly Invitae), Labcorp
Classification: Uncertain significance for Multiple gastrointestinal atresias. Last evaluated: 2020-08-15. Review status: criteria provided, single submitter. Criteria: Invitae Variant Classification Sherloc (09022015). Collection method: clinical testing. Allele origin: germline.
Comment: This variant has not been reported in the literature in individuals with TTC7A-related conditions. In summary, the available evidence is currently insufficient to determine the role of this variant in disease. Therefore, it has been classified as a Variant of Uncertain Significance. Algorithms developed to predict the effect of sequence changes on RNA splicing suggest that this variant may create or strengthen a splice site, but this prediction has not been confirmed by published transcriptional studies. Algorithms developed to predict the effect of missense changes on protein structure and function (SIFT, PolyPhen-2, Align-GVGD) all suggest that this variant is likely to be tolerated, but these predictions have not been confirmed by published functional studies and their clinical significance is uncertain. This variant is present in population databases (rs751644700, ExAC 0.006%). This sequence change replaces histidine with tyrosine at codon 225 of the TTC7A protein (p.His225Tyr). The histidine residue is weakly conserved and there is a moderate physicochemical difference between histidine and tyrosine.